The following is an entry in ClinVar:

NM_004859.4(CLTC):c.250+14_250+15del

Gene: CLTC (clathrin heavy chain; plus strand). Cytogenetic location: 17q23.1.
Variant type: Microsatellite.
Coding change: c.250+14_250+15del on transcript NM_004859.4 (MANE Select); bases 14 to 15 of the intron after coding-DNA position 250, 2 bases deleted (TG; older notation c.250+14_250+15delTG).
Molecular consequence: intron variant. On other transcripts: splice donor variant (1).
Genome position (GRCh38, 1-based): chr17:59,644,497-59,644,498, TG deleted; deleting any 2 consecutive bases within chr17:59,644,495-59,644,498 gives the same sequence; the c. name uses the placement nearest the transcript's 3' end. VCF-style (leftmost placement, unchanged base first): chr17-59644494-ATG-A. GRCh37 (hg19) VCF-style: chr17-57721855-ATG-A.
Other names: c.262+2_262+3del (NM_001288653.2).
Identifiers: ClinVar variation 1978561 (VCV001978561.4), dbSNP rs368011890, ClinGen allele CA292132942.

ClinVar aggregate classification (germline): Likely pathogenic (1 of 4 stars; one submission).

Submission:

Labcorp Genetics (formerly Invitae), Labcorp
Classification: Likely pathogenic. Last evaluated: 2022-07-23. Review status: criteria provided, single submitter. Criteria: Invitae Variant Classification Sherloc (09022015). Collection method: clinical testing. Allele origin: germline.
Comment: This sequence change affects a splice site in intron 2 of the CLTC gene. It is expected to disrupt RNA splicing. Variants that disrupt the donor or acceptor splice site typically lead to a loss of protein function (PMID: 16199547), and loss-of-function variants in CLTC are known to be pathogenic (PMID: 29100083). This variant is not present in population databases (gnomAD no frequency). This variant has not been reported in the literature in individuals affected with CLTC-related conditions. Algorithms developed to predict the effect of sequence changes on RNA splicing suggest that this variant may disrupt the consensus splice site. In summary, the currently available evidence indicates that the variant is pathogenic, but additional data are needed to prove that conclusively. Therefore, this variant has been classified as Likely Pathogenic.

Literature cited by the submitters: PubMed 16199547; PubMed 29100083.